The following is an entry in ClinVar:

ClinVar aggregate classification (germline): Uncertain significance. Review status: criteria provided, multiple submitters, no conflicts (2 of 4 stars). 2 submissions from 2 submitters: Uncertain significance (2). Last evaluated 2022-06-13.

Allele frequency attached by ClinVar (database versions not stated): ExAC 0.00002; gnomAD 0.00003 and 0.00004; gnomAD exomes 0.00003; 1000 Genomes Project 30x 0.00031; 1000 Genomes Project 0.00040.
gnomAD v4.1: 14 of 1,612,766 alleles (0.00087%); highest among the groups gnomAD compares: African/African-American, 0.015%; no homozygotes.

Submissions (2):

Blueprint Genetics
Classification: Uncertain significance. Last evaluated: 2022-06-13. Review status: criteria provided, single submitter. Criteria: ACMG Guidelines, 2015. Collection method: clinical testing. Allele origin: germline.

Labcorp Genetics (formerly Invitae), Labcorp
Classification: Uncertain significance. Last evaluated: 2021-09-15. Review status: criteria provided, single submitter. Criteria: Invitae Variant Classification Sherloc (09022015). Collection method: clinical testing. Allele origin: germline.
Comment: This sequence change replaces alanine with glycine at codon 617 of the SAMD11 protein (p.Ala617Gly). The alanine residue is highly conserved and there is a small physicochemical difference between alanine and glycine. This variant is present in population databases (rs561795769, ExAC 0.02%). This variant has not been reported in the literature in individuals affected with SAMD11-related conditions. Algorithms developed to predict the effect of missense changes on protein structure and function are either unavailable or do not agree on the potential impact of this missense change (SIFT: "Deleterious"; PolyPhen-2: "Probably Damaging"; Align-GVGD: "Class C0"). In summary, the available evidence is currently insufficient to determine the role of this variant in disease. Therefore, it has been classified as a Variant of Uncertain Significance.

NM_001385641.1(SAMD11):c.2339C>G (p.Ala780Gly)

Gene: SAMD11 (sterile alpha motif domain containing 11; plus strand). Cytogenetic location: 1p36.33.
Variant type: single nucleotide variant.
Coding change: c.2339C>G on transcript NM_001385641.1 (MANE Select); coding-DNA position 2339, C replaced by G.
Protein change: p.Ala780Gly; replaces alanine 780 with glycine.
Molecular consequence: missense variant.
Genome position (GRCh38, 1-based): chr1:943,957, C>G. VCF-style: chr1-943957-C-G. GRCh37 (hg19) VCF-style: chr1-879337-C-G.
Other names: c.2342C>G, p.Ala781Gly (NM_001385640.1); c.1850C>G, p.Ala617Gly (NM_152486.4); short protein forms A617G, A780G, A781G.
Identifiers: ClinVar variation 1051647 (VCV001051647.5), dbSNP rs561795769, ClinGen allele CA503348.
Genomic context (GRCh38, chr1:943,957, plus strand): 5'-TCTCTCTGCAGGTGGCCAGGCGCCTGGGCCGAGTTTTCTACGTGGCCAGCTTCCCCGTGG[C>G]TCTGCCACTGCAGCCACCAACCCTGCGGGCCCCGGAGCGAGAACTCGGCACAGGAGAGCA-3'
Protein context (NP_001372570.1, residues 770-790): RVFYVASFPV[Ala780Gly]LPLQPPTLRA